The following is an entry in ClinVar:

NM_015629.4(PRPF31):c.584T>C (p.Leu195Pro)

Gene: PRPF31 (pre-mRNA processing factor 31; plus strand). Cytogenetic location: 19q13.42.
Variant type: single nucleotide variant.
Coding change: c.584T>C on transcript NM_015629.4 (MANE Select); coding-DNA position 584, T replaced by C.
Protein change: p.Leu195Pro; replaces leucine 195 with proline.
Molecular consequence: missense variant.
Genome position (GRCh38, 1-based): chr19:54,123,805, T>C. VCF-style: chr19-54123805-T-C. GRCh37 (hg19) VCF-style: chr19-54627184-T-C.
Other names: short protein forms L195P.
Identifiers: ClinVar variation 3600655 (VCV003600655.3).

ClinVar aggregate classification (germline): Uncertain significance. Review status: criteria provided, multiple submitters, no conflicts (2 of 4 stars). 2 submissions from 2 submitters: Uncertain significance (2). Last evaluated 2024-11-15.

Submissions (2):

Labcorp Genetics (formerly Invitae), Labcorp
Classification: Uncertain significance. Last evaluated: 2024-11-15. Review status: criteria provided, single submitter. Criteria: Invitae Variant Classification Sherloc (09022015). Collection method: clinical testing. Allele origin: germline.
Comment: This sequence change replaces leucine, which is neutral and non-polar, with proline, which is neutral and non-polar, at codon 195 of the PRPF31 protein (p.Leu195Pro). This variant is not present in population databases (gnomAD no frequency). This missense change has been observed in individual(s) with retinitis pigmentosa (PMID: 33598457). An algorithm developed to predict the effect of missense changes on protein structure and function (PolyPhen-2) suggests that this variant is likely to be disruptive. In summary, the available evidence is currently insufficient to determine the role of this variant in disease. Therefore, it has been classified as a Variant of Uncertain Significance.

GeneDx
Classification: Uncertain significance. Last evaluated: 2024-07-22. Review status: criteria provided, single submitter. Criteria: GeneDx Variant Classification Process June 2021. Collection method: clinical testing. Allele origin: germline. Affected: yes.
Comment: Not observed at significant frequency in large population cohorts (gnomAD); In silico analysis supports that this missense variant has a deleterious effect on protein structure/function; This variant is associated with the following publications: (PMID: 33598457, 38219857)

Literature cited by the submitters: PubMed 33598457 (cited by Labcorp Genetics (formerly Invitae), Labcorp).